The following is an entry in ClinVar:

NM_006509.4(RELB):c.26G>A (p.Gly9Glu)

Genes: RELB (RELB proto-oncogene, NF-kB subunit; plus strand), LOC130064661 (ATAC-STARR-seq lymphoblastoid silent region 10746; plus strand). Cytogenetic location: 19q13.32.
Variant type: single nucleotide variant.
Coding change: c.26G>A on transcript NM_006509.4 (MANE Select); coding-DNA position 26, G replaced by A.
Protein change: p.Gly9Glu; replaces glycine 9 with glutamic acid.
Molecular consequence: missense variant.
Genome position (GRCh38, 1-based): chr19:45,001,605, G>A. VCF-style: chr19-45001605-G-A. GRCh37 (hg19) VCF-style: chr19-45504863-G-A.
Other names: short protein forms G9E.
Identifiers: ClinVar variation 1377583 (VCV001377583.6), dbSNP rs2122371066, ClinGen allele CA406319355.

ClinVar aggregate classification (germline): Uncertain significance (1 of 4 stars; one submission).

Submission:

Labcorp Genetics (formerly Invitae), Labcorp
Classification: Uncertain significance. Last evaluated: 2022-03-07. Review status: criteria provided, single submitter. Criteria: Invitae Variant Classification Sherloc (09022015). Collection method: clinical testing. Allele origin: germline.
Comment: In summary, the available evidence is currently insufficient to determine the role of this variant in disease. Therefore, it has been classified as a Variant of Uncertain Significance. Algorithms developed to predict the effect of missense changes on protein structure and function (SIFT, PolyPhen-2, Align-GVGD) all suggest that this variant is likely to be tolerated. This variant has not been reported in the literature in individuals affected with RELB-related conditions. This variant is not present in population databases (gnomAD no frequency). This sequence change replaces glycine, which is neutral and non-polar, with glutamic acid, which is acidic and polar, at codon 9 of the RELB protein (p.Gly9Glu).